The following is an entry in ClinVar:

ClinVar aggregate classification (germline): Pathogenic/Likely pathogenic. Review status: criteria provided, multiple submitters, no conflicts (2 of 4 stars). 2 submissions from 2 submitters: Pathogenic (1); Likely pathogenic (1). Last evaluated 2025-01-26.

Conditions:
Joubert syndrome and related disorders. Identifiers: Orphanet 140874, MedGen C5679612, MONDO:0015369.
CC2D2A-related disorder. Also called: CC2D2A-related disorders; CC2D2A-related condition. Identifiers: MedGen CN239313.

Submissions (2):

Myriad Genetics, Inc.
Classification: Pathogenic for Joubert syndrome and related disorders. Last evaluated: 2025-01-26. Review status: criteria provided, single submitter. Criteria: Myriad Autosomal Dominant, Autosomal Recessive and X-Linked Classification Criteria (2023). Collection method: clinical testing. Allele origin: unknown.
Comment: NM_001080522.2(CC2D2A):c.1426dupA(T476Nfs*8) is expected to be pathogenic in the context of CC2D2A-related disorders. This variant is predicted to lead to an abnormal or absent protein product due to the creation of a premature termination codon in CC2D2A, a gene where loss-of-function variants are known to be pathogenic. Please note: this variant was assessed in the context of healthy population screening.

PreventionGenetics, part of Exact Sciences
Classification: Likely pathogenic for CC2D2A-related condition. Last evaluated: 2022-12-28. Review status: criteria provided, single submitter. Criteria: ACMG Guidelines, 2015. Collection method: clinical testing. Allele origin: germline.
Comment: The CC2D2A c.1426dupA variant is predicted to result in a frameshift and premature protein termination (p.Thr476Asnfs*8). To our knowledge, this variant has not been reported in the literature or in a large population database, indicating this variant is rare. Frameshift variants in CC2D2A are expected to be pathogenic. This variant is interpreted as likely pathogenic.

NM_001378615.1(CC2D2A):c.1426dup (p.Thr476fs)

Genes: CC2D2A (coiled-coil and C2 domain containing 2A; plus strand), FBXL5 (F-box and leucine rich repeat protein 5; minus strand). Cytogenetic location: 4p15.32.
Variant type: Duplication.
Coding change: c.1426dup on transcript NM_001378615.1 (MANE Select); coding-DNA position 1426, one base duplicated (A; older notation c.1426dupA).
Protein change: p.Thr476fs; shifts the reading frame from threonine 476.
Molecular consequence: frameshift variant.
Genome position (GRCh38, 1-based): chr4:15,528,686, A duplicated. VCF-style (leftmost placement, unchanged base first): chr4-15528685-T-TA. GRCh37 (hg19) VCF-style: chr4-15530308-T-TA.
Other names: c.1426dupA (NM_001080522.2); c.1426dup, p.Thr476fs (NM_001080522.2); c.1279dup, p.Thr427fs (NM_001378617.1); short protein forms T427fs, T476fs.
Identifiers: ClinVar variation 2629924 (VCV002629924.2), dbSNP rs2474955144, ClinGen allele CA2695199370.